The following is an entry in ClinVar:

NM_022841.7(RFX7):c.1544C>G (p.Ser515Cys)

Gene: RFX7 (regulatory factor X7; minus strand). Cytogenetic location: 15q21.3.
Variant type: single nucleotide variant.
Coding change: c.1544C>G on transcript NM_022841.7 (MANE Select); coding-DNA position 1544, C replaced by G.
Protein change: p.Ser515Cys; replaces serine 515 with cysteine.
Molecular consequence: missense variant.
Genome position (GRCh38, 1-based): chr15:56,096,184, G>C on the plus strand (C>G on the coding strand, the complement: RFX7 is on the minus strand). VCF-style: chr15-56096184-G-C. GRCh37 (hg19) VCF-style: chr15-56388382-G-C.
Other names: c.1253C>G, p.Ser418Cys (NM_001368073.2, NM_001368074.1, NM_001370554.1); c.1544C>G, p.Ser515Cys (NM_001370561.1); short protein forms S418C, S515C.
Identifiers: ClinVar variation 4076375 (VCV004076375.1).

ClinVar aggregate classification (germline): Uncertain significance (1 of 4 stars; one submission).

Conditions:
Intellectual developmental disorder, autosomal dominant 71, with behavioral abnormalities (MRD71). Identifiers: MedGen C5830437, MONDO:0957228, OMIM 620330.

Submission:

Laboratorio de Genetica e Diagnostico Molecular, Hospital Israelita Albert Einstein
Classification: Uncertain significance for Intellectual developmental disorder, autosomal dominant 71, with behavioral abnormalities. Last evaluated: 2024-07-22. Review status: criteria provided, single submitter. Criteria: ACMG Guidelines, 2015. Collection method: clinical testing. Allele origin: germline. Affected: yes.
Comment: ACMG classification criteria: PM2 supporting